The following is an entry in ClinVar:

ClinVar aggregate classification (germline): Uncertain significance (1 of 4 stars; one submission).

Conditions:
Inborn genetic diseases. Identifiers: MedGen C0950123, MeSH D030342.

gnomAD v4.1: 5 of 1,613,752 alleles (0.00031%); highest among the groups gnomAD compares: South Asian, 0.0011%; no homozygotes.

Submission:

Ambry Genetics
Classification: Uncertain significance for Inborn genetic diseases. Last evaluated: 2025-07-03. Review status: criteria provided, single submitter. Criteria: Ambry Variant Classification Scheme 2023. Collection method: clinical testing. Allele origin: germline.
Comment: The p.R296L variant (also known as c.887G>T), located in coding exon 5 of the ERCC6L2 gene, results from a G to T substitution at nucleotide position 887. The arginine at codon 296 is replaced by leucine, an amino acid with dissimilar properties. This amino acid position is conserved. In addition, this alteration is predicted to be deleterious by in silico analysis. Based on the available evidence, the clinical significance of this variant remains unclear.

NM_020207.7(ERCC6L2):c.887G>T (p.Arg296Leu)

Gene: ERCC6L2 (ERCC excision repair 6 like 2; plus strand). Cytogenetic location: 9q22.32.
Variant type: single nucleotide variant.
Coding change: c.887G>T on transcript NM_020207.7 (MANE Select); coding-DNA position 887, G replaced by T.
Protein change: p.Arg296Leu; replaces arginine 296 with leucine.
Molecular consequence: missense variant. On other transcripts: non-coding transcript variant (1).
Genome position (GRCh38, 1-based): chr9:95,915,766, G>T. VCF-style: chr9-95915766-G-T. GRCh37 (hg19) VCF-style: chr9-98678048-G-T.
Other names: c.887G>T, p.Arg296Leu (NM_001010895.4, NM_001375291.1, NM_001375292.1 and 2 more transcripts); short protein forms R296L.
Identifiers: ClinVar variation 4250567 (VCV004250567.1).
Genomic context (GRCh38, chr9:95,915,766, plus strand): 5'-GAATCAAGAATCCAAAAGCTAGAGTAACAGAAGTTATGAAAGCTTTGAAATGTAATGTCC[G>T]CATTGGCCTCACTGGAACCATCCTTCAGAACAACATGAAGGAACTGTGGTGTGTTATGGA-3'
Protein context (NP_064592.3, residues 286-306): EVMKALKCNV[Arg296Leu]IGLTGTILQN